The following is an entry in ClinVar:

ClinVar aggregate classification (germline): Pathogenic/Likely pathogenic. Review status: criteria provided, multiple submitters, no conflicts (2 of 4 stars). 2 submissions from 2 submitters: Pathogenic (1); Likely pathogenic (1). Last evaluated 2025-07-10.

Conditions:
Developmental and epileptic encephalopathy, 2 (DEE2). Also called: INFANTILE SPASM SYNDROME, X-LINKED 2; CDKL5 deficiency disorder. Identifiers: Orphanet 1934, Orphanet 3451, Orphanet 505652, MedGen C4750718, MONDO:0010396, OMIM 300672.
Congenital myasthenic syndrome 18. Also called: MYASTHENIC SYNDROME, CONGENITAL, 18, WITH INTELLECTUAL DISABILITY AND ATAXIA. Identifiers: Orphanet 590, MedGen C4225364, MONDO:0014590, OMIM 616330.

Submissions (2):

3billion
Classification: Likely pathogenic for Congenital myasthenic syndrome 18. Last evaluated: 2025-07-10. Review status: criteria provided, single submitter. Criteria: ACMG Guidelines, 2015. Collection method: clinical testing. Allele origin: germline. Affected: yes.
Comment: The variant is not observed in the gnomAD v4.1.0 dataset. Predicted Consequence/Location: Missense variant. Missense changes are a common disease-causing mechanism. In silico tool predictions suggest damaging effect of the variant on gene or gene product [REVEL: 0.88 (>=0.6, sensitivity 0.68 and specificity 0.92); 3Cnet: 0.98 (> 0.75, sensitivity 0.96 and precision 0.92)]. The same nucleotide change resulting in the same amino acid change has been previously reported to be associated with SNAP25-related disorder (ClinVar ID: VCV001707536). Different missense changes at the same codon (p.Ala199Gly, p.Ala199Val) have been reported as pathogenic/likely pathogenic with strong evidence (ClinVar ID: VCV001065446, VCV001285526). Therefore, this variant is classified as Likely pathogenic according to the recommendation of ACMG/AMP guideline.

Institute of Human Genetics, University of Leipzig Medical Center
Classification: Pathogenic for Developmental and epileptic encephalopathy, 2. Last evaluated: 2022-09-14. Review status: criteria provided, single submitter. Criteria: ACMG Guidelines, 2015. Collection method: clinical testing. Allele origin: de novo. Affected: yes.
Comment: This variant was identified as de novo (maternity and paternity confirmed)._x000D_ Criteria applied: PM5_STR, PS2_MOD, PM1, PM2_SUP, PP3

NM_130811.4(SNAP25):c.596C>A (p.Ala199Glu)

Gene: SNAP25 (synaptosome associated protein 25; plus strand). Cytogenetic location: 20p12.2.
Variant type: single nucleotide variant.
Coding change: c.596C>A on transcript NM_130811.4 (MANE Select); coding-DNA position 596, C replaced by A.
Protein change: p.Ala199Glu; replaces alanine 199 with glutamic acid.
Molecular consequence: missense variant.
Genome position (GRCh38, 1-based): chr20:10,306,172, C>A. VCF-style: chr20-10306172-C-A. GRCh37 (hg19) VCF-style: chr20-10286820-C-A.
Other names: c.596C>A, p.Ala199Glu (NM_001322902.2, NM_001322903.2, NM_001322904.2 and 7 more transcripts); short protein forms A199E.
Identifiers: ClinVar variation 1707536 (VCV001707536.2), dbSNP rs2123205311, ClinGen allele CA408266901.